The following is an entry in ClinVar:

NM_015910.7(WDPCP):c.1977A>T (p.Leu659Phe)

Gene: WDPCP (WD repeat containing planar cell polarity effector; minus strand). Cytogenetic location: 2p15.
Variant type: single nucleotide variant.
Coding change: c.1977A>T on transcript NM_015910.7 (MANE Select); coding-DNA position 1977, A replaced by T.
Protein change: p.Leu659Phe; replaces leucine 659 with phenylalanine.
Molecular consequence: missense variant. On other transcripts: non-coding transcript variant (3).
Genome position (GRCh38, 1-based): chr2:63,174,771, T>A on the plus strand (A>T on the coding strand, the complement: WDPCP is on the minus strand). VCF-style: chr2-63174771-T-A. GRCh37 (hg19) VCF-style: chr2-63401906-T-A.
Other names: c.1500A>T, p.Leu500Phe (NM_001042692.3); c.1905A>T, p.Leu635Phe (NM_001354044.2); short protein forms L635F, L500F, L659F.
Identifiers: ClinVar variation 4997735 (VCV004997735.1).

ClinVar aggregate classification (germline): Uncertain significance (1 of 4 stars; one submission).

Conditions:
WDPCP-related disorder. Also called: WDPCP-related condition.

gnomAD v4.1: 1 of 1,613,994 alleles (0.000062%); highest among the groups gnomAD compares: Admixed American, 0.0017%; no homozygotes.

Submission:

PreventionGenetics, part of Exact Sciences
Classification: Uncertain significance for WDPCP-related condition. Last evaluated: 2026-06-23. Review status: criteria provided, single submitter. Criteria: ACMG Guidelines, 2015. Collection method: clinical testing. Allele origin: germline.
Comment: The WDPCP c.1977A>T variant is predicted to result in the amino acid substitution p.Leu659Phe. To our knowledge, this variant has not been reported in the literature. This variant is reported in 0.0029% of alleles in individuals of Latino descent in gnomAD. At this time, the clinical significance of this variant is uncertain due to the absence of conclusive functional and genetic evidence.